The following is an entry in ClinVar:

NM_003242.6(TGFBR2):c.-59C>G

Gene: TGFBR2 (transforming growth factor beta receptor 2; plus strand). Cytogenetic location: 3p24.1.
Variant type: single nucleotide variant.
Coding change: c.-59C>G on transcript NM_003242.6 (MANE Select); 59 bases upstream of the start codon, C replaced by G.
Molecular consequence: 5 prime UTR variant.
Genome position (GRCh38, 1-based): chr3:30,606,825, C>G. VCF-style: chr3-30606825-C-G. GRCh37 (hg19) VCF-style: chr3-30648317-C-G.
Other names: c.-59C>G (NM_001024847.3, NM_001407126.1, NM_001407127.1 and 4 more transcripts); c.-342C>G (NM_001407133.1); c.-220C>G (NM_001407134.1); c.-267C>G (NM_001407135.1); c.-352C>G (NM_001407136.1).
Identifiers: ClinVar variation 1012493 (VCV001012493.41), dbSNP rs1002352692, ClinGen allele CA72289957.
Genomic context (GRCh38, chr3:30,606,825, plus strand): 5'-GCGCTGCCGGCCCGGCGCGGGGTCCGGAGAGGGCGCGGCGCGGAGGCGCAGCCAGGGGTC[C>G]GGGAAGGCGCCGTCCGCTGCGCTGGGGGCTCGGTCTATGACGAGCAGCGGGGTCTGCCAT-3'

ClinVar aggregate classification (germline): Conflicting classifications of pathogenicity. Review status: criteria provided, conflicting classifications (1 of 4 stars). 3 submissions from 3 submitters: Uncertain significance (2); Likely benign (1). Last evaluated 2020-12-01.

Conditions:
Diabetic retinopathy. Identifiers: MedGen C0011884, MONDO:0005266.

Allele frequency attached by ClinVar (database versions not stated): gnomAD 0.00003 and 0.00004; TOPMed 0.00003.
gnomAD v4.1: 24 of 1,242,604 alleles (0.0019%); highest among the groups gnomAD compares: South Asian, 0.01%; no homozygotes.

Submissions (3):

CeGaT Center for Human Genetics Tuebingen
Classification: Uncertain significance. Last evaluated: 2020-12-01. Review status: criteria provided, single submitter. Criteria: CeGaT Center For Human Genetics Tuebingen Variant Classification Criteria Version 2. Collection method: clinical testing. Allele origin: germline. Affected: yes. Observed: 1 variant allele.

Blueprint Genetics
Classification: Uncertain significance. Last evaluated: 2020-08-31. Review status: criteria provided, single submitter. Criteria: ACMG Guidelines, 2015. Collection method: clinical testing. Allele origin: germline.

Clinical Genomics, Uppaluri K&H Personalized Medicine Clinic
Classification: Likely benign for Diabetic retinopathy. Review status: criteria provided, single submitter. Criteria: K And H Uppaluri Personalized Medicine Clinic Variant Classification And Assertion Criteria Updated V 2. Collection method: research. Allele origin: unknown.
Comment: Potent mutations in TGFBR2 gene encodes the transforming growth factor that have been associated with angiogenesis and diabetic retinopathy. More clinical studies are needed for stronger association. However, more evidence is required to confer the association of this particular variant rs1002352692 with diabetic retinopathy.

Literature cited by the submitters: PubMed 30222965 (cited by Clinical Genomics, Uppaluri K&H Personalized Medicine Clinic); PubMed 28162229 (cited by Clinical Genomics, Uppaluri K&H Personalized Medicine Clinic); PubMed 34572573 (cited by Clinical Genomics, Uppaluri K&H Personalized Medicine Clinic).